The following is an entry in ClinVar:

NM_004260.4(RECQL4):c.664C>T (p.Pro222Ser)

Gene: RECQL4 (RecQ like helicase 4; minus strand). Cytogenetic location: 8q24.3.
Variant type: single nucleotide variant.
Coding change: c.664C>T on transcript NM_004260.4 (MANE Select); coding-DNA position 664, C replaced by T.
Protein change: p.Pro222Ser; replaces proline 222 with serine.
Molecular consequence: missense variant.
Genome position (GRCh38, 1-based): chr8:144,516,455, G>A on the plus strand (C>T on the coding strand, the complement: RECQL4 is on the minus strand). VCF-style: chr8-144516455-G-A. GRCh37 (hg19) VCF-style: chr8-145741839-G-A.
Other names: short protein forms P222S.
Identifiers: ClinVar variation 239781 (VCV000239781.8), dbSNP rs758876038, ClinGen allele CA4949217.
Genomic context (GRCh38, chr8:144,516,455, plus strand): 5'-AGGCTGAAGCCTCTGGGCCCTGGGAGCCAGCACCAGGACCAAGGACAGCCGACTCACCAG[G>A]GATCAGAAGTTGTGATTCCTCTGAGCCTAGATCAGGCCTGCAGGCTTTGGGGGCCCCCAG-3'
Protein context (NP_004251.4, residues 212-232): LGSEESQLLI[Pro222Ser]GESAVLGPGA

ClinVar aggregate classification (germline): Conflicting classifications of pathogenicity. Review status: criteria provided, conflicting classifications (1 of 4 stars). 2 submissions from 2 submitters: Uncertain significance (1); Likely benign (1). Last evaluated 2025-03-16.

Conditions:
Inborn genetic diseases. Identifiers: MedGen C0950123, MeSH D030342.
Baller-Gerold syndrome (BGS). Also called: CRANIOSYNOSTOSIS WITH RADIAL DEFECTS. Identifiers: Orphanet 1225, MedGen C0265308, MONDO:0009039, OMIM 218600.

Allele frequency attached by ClinVar (database versions not stated): gnomAD exomes 0.00001; TOPMed 0.00001; ExAC 0.00002.
gnomAD v4.1: 3 of 1,608,664 alleles (0.00019%); highest among the groups gnomAD compares: East Asian, 0.0022%; no homozygotes.

Submissions (2):

Ambry Genetics
Classification: Likely benign for Inborn genetic diseases. Last evaluated: 2025-03-16. Review status: criteria provided, single submitter. Criteria: Ambry Variant Classification Scheme 2023. Collection method: clinical testing. Allele origin: germline.

Labcorp Genetics (formerly Invitae), Labcorp
Classification: Uncertain significance for Baller-Gerold syndrome. Last evaluated: 2024-05-06. Review status: criteria provided, single submitter. Criteria: Invitae Variant Classification Sherloc (09022015). Collection method: clinical testing. Allele origin: germline.
Comment: This sequence change replaces proline, which is neutral and non-polar, with serine, which is neutral and polar, at codon 222 of the RECQL4 protein (p.Pro222Ser). This variant is present in population databases (rs758876038, gnomAD 0.006%). This variant has not been reported in the literature in individuals affected with RECQL4-related conditions. ClinVar contains an entry for this variant (Variation ID: 239781). Advanced modeling of protein sequence and biophysical properties (such as structural, functional, and spatial information, amino acid conservation, physicochemical variation, residue mobility, and thermodynamic stability) performed at Invitae indicates that this missense variant is not expected to disrupt RECQL4 protein function with a negative predictive value of 80%. In summary, the available evidence is currently insufficient to determine the role of this variant in disease. Therefore, it has been classified as a Variant of Uncertain Significance.